The following is an entry in ClinVar:

NM_002529.4(NTRK1):c.1768G>A (p.Glu590Lys)

Gene: NTRK1 (neurotrophic receptor tyrosine kinase 1; plus strand). Cytogenetic location: 1q23.1.
Variant type: single nucleotide variant.
Coding change: c.1768G>A on transcript NM_002529.4 (MANE Select); coding-DNA position 1768, G replaced by A.
Protein change: p.Glu590Lys; replaces glutamic acid 590 with lysine.
Molecular consequence: missense variant.
Genome position (GRCh38, 1-based): chr1:156,876,535, G>A. VCF-style: chr1-156876535-G-A. GRCh37 (hg19) VCF-style: chr1-156846327-G-A.
Other names: c.1660G>A, p.Glu554Lys (NM_001007792.1); c.1750G>A, p.Glu584Lys (NM_001012331.2); short protein forms E554K, E584K, E590K.
Identifiers: ClinVar variation 978717 (VCV000978717.6), dbSNP rs1647927494, ClinGen allele CA342938663.

ClinVar aggregate classification (germline): Pathogenic. Review status: criteria provided, single submitter (1 of 4 stars). 2 submissions from 2 submitters: Pathogenic (1). 1 of the submissions does not count toward it. Last evaluated 2024-02-02.

Conditions:
Hereditary insensitivity to pain with anhidrosis (CIPA). Also called: hereditary sensory and autonomic neuropathy type 4; INSENSITIVITY TO PAIN, CONGENITAL, WITH ANHIDROSIS; NTRK1 Congenital Insensitivity to Pain with Anhidrosis; FAMILIAL DYSAUTONOMIA, TYPE II; NEUROPATHY, CONGENITAL SENSORY, WITH ANHIDROSIS; HSAN Type IV. Identifiers: Orphanet 642, MedGen C0020074, MONDO:0009746, OMIM 256800.
Familial medullary thyroid carcinoma (MTC). Also called: Thyroid cancer, familial medullary; MTC, familial; Familial Medullary Thyroid Carcinoma (FMTC). Identifiers: Orphanet 653, Orphanet 99361, MedGen C1833921, MONDO:0007958, OMIM 155240.

Submissions (2):

Labcorp Genetics (formerly Invitae), Labcorp
Classification: Pathogenic for Hereditary insensitivity to pain with anhidrosis. Last evaluated: 2024-02-02. Review status: criteria provided, single submitter. Criteria: Invitae Variant Classification Sherloc (09022015). Collection method: clinical testing. Allele origin: germline.
Comment: This sequence change replaces glutamic acid, which is acidic and polar, with lysine, which is basic and polar, at codon 584 of the NTRK1 protein (p.Glu584Lys). This variant is not present in population databases (gnomAD no frequency). This missense change has been observed in individual(s) with congenital insensitivity to pain (PMID: 29770739, 32219930). In at least one individual the data is consistent with being in trans (on the opposite chromosome) from a pathogenic variant. ClinVar contains an entry for this variant (Variation ID: 978717). Advanced modeling of protein sequence and biophysical properties (such as structural, functional, and spatial information, amino acid conservation, physicochemical variation, residue mobility, and thermodynamic stability) performed at Invitae indicates that this missense variant is not expected to disrupt NTRK1 protein function with a negative predictive value of 95%. Experimental studies have shown that this missense change affects NTRK1 function (PMID: 32219930). For these reasons, this variant has been classified as Pathogenic.

Center for Molecular Medicine, Children’s Hospital of Fudan University
Classification: Likely pathogenic for Hereditary insensitivity to pain with anhidrosis; Familial medullary thyroid carcinoma. Last evaluated: 2020-07-07. Review status: no assertion criteria provided. Collection method: clinical testing. Allele origin: maternal. Affected: yes. Not counted in ClinVar's aggregate classification.

Literature cited by the submitters: PubMed 29770739 (cited by Labcorp Genetics (formerly Invitae), Labcorp); PubMed 32219930 (cited by Labcorp Genetics (formerly Invitae), Labcorp).